The following is an entry in ClinVar:

NM_000352.6(ABCC8):c.1923+3G>A

Gene: ABCC8 (ATP binding cassette subfamily C member 8; minus strand). Cytogenetic location: 11p15.1.
Variant type: single nucleotide variant.
Coding change: c.1923+3G>A on transcript NM_000352.6 (MANE Select); 3 bases into the intron after coding-DNA position 1923, G replaced by A.
Molecular consequence: intron variant.
Genome position (GRCh38, 1-based): chr11:17,428,562, C>T on the plus strand (G>A on the coding strand, the complement: ABCC8 is on the minus strand). VCF-style: chr11-17428562-C-T. GRCh37 (hg19) VCF-style: chr11-17450109-C-T.
Other names: c.1920+3G>A (NM_001351297.2, NM_001351296.2); c.1923+3G>A (NM_001351295.2, NM_001287174.3, NM_000352.5 and 1 more transcripts).
Identifiers: ClinVar variation 990408 (VCV000990408.10), dbSNP rs374869130, ClinGen allele CA5903395.

ClinVar aggregate classification (germline): Uncertain significance. Review status: criteria provided, multiple submitters, no conflicts (2 of 4 stars). 8 submissions from 7 submitters: Uncertain significance (7). 1 of the submissions does not count toward it. Last evaluated 2024-10-15.

Conditions:
Inborn genetic diseases. Identifiers: MedGen C0950123, MeSH D030342.
Diabetes mellitus, transient neonatal, 2 (TNDM2). Identifiers: Orphanet 99886, MedGen C1835887, MONDO:0012480, OMIM 610374. Disease mechanism: loss of function.
Type 2 diabetes mellitus. Also called: Type II diabetes mellitus. Identifiers: MedGen C0011860, MeSH D003924, MONDO:0005148, OMIM 125853, HP:0005978.
Diabetes mellitus, permanent neonatal 3. Also called: ABCC8-Related Permanent Neonatal Diabetes Mellitus. Identifiers: MedGen C5394303, MONDO:0030088, OMIM 618857.
Hyperinsulinemic hypoglycemia, familial, 1 (HHF1). Also called: HYPERINSULINISM, FAMILIAL, WITH PANCREATIC NESIDIOBLASTOSIS; HYPOGLYCEMIA, HYPERINSULINEMIC, OF INFANCY; Persistent hyperinsulinemic hypoglycemia of infancy; Persistent Hyperinsulinemia Hypoglycemia of Infancy; NESIDIOBLASTOSIS OF PANCREAS. Identifiers: Orphanet 276575, Orphanet 276598, MedGen C2931832, MONDO:0009734, OMIM 256450.
Leucine-induced hypoglycemia (LIH). Also called: LEUCINE-SENSITIVE HYPOGLYCEMIA OF INFANCY. Identifiers: MedGen C0271714, MONDO:0009415, OMIM 240800.
Transitory neonatal diabetes mellitus. Also called: Transient neonatal diabetes mellitus. Identifiers: MedGen C0342273, MONDO:0020525, HP:0008255.
Maturity-onset diabetes of the young (MODY). Also called: Maturity onset diabetes mellitus in young. Identifiers: Orphanet 552, MedGen C0342276, MONDO:0018911, HP:0004904.
Hereditary hyperinsulinism.

Allele frequency attached by ClinVar (database versions not stated): gnomAD exomes 0.00003; ExAC 0.00007; ESP Exome Variant Server 0.00015; TOPMed 0.00021; gnomAD 0.00026 and 0.00028.
gnomAD v4.1: 81 of 1,614,020 alleles (0.005%); highest among the groups gnomAD compares: African/African-American, 0.087%; no homozygotes.

Submissions (8):

Labcorp Genetics (formerly Invitae), Labcorp
Classification: Uncertain significance. Last evaluated: 2024-10-15. Review status: criteria provided, single submitter. Criteria: Invitae Variant Classification Sherloc (09022015). Collection method: clinical testing. Allele origin: germline.
Comment: This sequence change falls in intron 13 of the ABCC8 gene. It does not directly change the encoded amino acid sequence of the ABCC8 protein. It affects a nucleotide within the consensus splice site. This variant is present in population databases (rs374869130, gnomAD 0.1%). This variant has not been reported in the literature in individuals affected with ABCC8-related conditions. ClinVar contains an entry for this variant (Variation ID: 990408). Variants that disrupt the consensus splice site are a relatively common cause of aberrant splicing (PMID: 17576681, 9536098). Algorithms developed to predict the effect of sequence changes on RNA splicing suggest that this variant is not likely to affect RNA splicing. In summary, the available evidence is currently insufficient to determine the role of this variant in disease. Therefore, it has been classified as a Variant of Uncertain Significance.

Dasa
Classification: Uncertain significance. Last evaluated: 2024-09-17. Review status: criteria provided, single submitter. Criteria: DASA Assertion Criteria. Collection method: clinical testing. Allele origin: germline.
Comment: NM_000352.6(ABCC8):c.1923+3G>A is a splice-region variant. This variant is rare in population databases. Computational prediction algorithms are consistent with a benign effect. The currently available literature and clinical evidence are not sufficient to establish a definitive association between this variant and the reported condition. Therefore, this variant is classified as a variant of uncertain significance.

Women's Health and Genetics/Laboratory Corporation of America, LabCorp
Classification: Uncertain significance. Last evaluated: 2024-06-17. Review status: criteria provided, single submitter. Criteria: LabCorp Variant Classification Summary - May 2015. Collection method: clinical testing. Allele origin: germline.

Ambry Genetics
Classification: Uncertain significance for Inborn genetic diseases. Last evaluated: 2022-11-15. Review status: criteria provided, single submitter. Criteria: Ambry Variant Classification Scheme 2023. Collection method: clinical testing. Allele origin: germline.
Comment: The c.1923+3G>A intronic alteration consists of a G to A substitution 3 nucleotides after coding exon 13 of the ABCC8 gene. Based on data from the Genome Aggregation Database (gnomAD) database, the ABCC8 c.1923+3G>A alteration was observed in 0.01% (24/282294) of total alleles studied, with a frequency of 0.09% (23/24958) in the African subpopulation. This nucleotide position is not conserved in available vertebrate species. In silico splice site analysis predicts that this alteration will not have any significant effect on splicing. Based on insufficient or conflicting evidence, the clinical significance of this alteration remains unclear.

Fulgent Genetics
Classification: Uncertain significance for Type 2 diabetes mellitus; Leucine-induced hypoglycemia; Hyperinsulinemic hypoglycemia, familial, 1; Diabetes mellitus, transient neonatal, 2; Diabetes mellitus, permanent neonatal 3. Last evaluated: 2021-07-12. Review status: criteria provided, single submitter. Criteria: ACMG Guidelines, 2015. Collection method: clinical testing. Allele origin: unknown.

Clinical Genomics, Uppaluri K&H Personalized Medicine Clinic
Classification: Uncertain significance for Transitory neonatal diabetes mellitus. Review status: criteria provided, single submitter. Criteria: K & H Uppaluri Personalized Medicine Clinic Variant Classification & Assertion Criteria_Updated V.1. Collection method: research. Allele origin: unknown. Inheritance: Somatic mutation.
Comment: Mutations in ABCC8 gene are associated with both neonatal diabetes mellitus as well as MODY. Patients with this mutation may have a better response to sulfonylureas. However, no sufficient evidence is found to ascertain the role of this particular variant ( rs374869130) in neonatal diabetes yet.

Clinical Genomics, Uppaluri K&H Personalized Medicine Clinic
Classification: Uncertain significance for Maturity-onset diabetes of the young. Review status: criteria provided, single submitter. Criteria: K & H Uppaluri Personalized Medicine Clinic Variant Classification & Assertion Criteria_Updated V.1. Collection method: research. Allele origin: unknown. Inheritance: Somatic mutation.
Comment: Mutations in ABCC8 gene are associated with both neonatal diabetes mellitus as well as MODY. Patients with this mutation may have a better response to sulfonylureas. However, no sufficient evidence is found to ascertain the role of this particular variant ( rs374869130) in MODY yet.

Natera, Inc.
Classification: Uncertain significance for Hereditary hyperinsulinism. Last evaluated: 2020-04-10. Review status: no assertion criteria provided. Collection method: clinical testing. Allele origin: germline. Not counted in ClinVar's aggregate classification.

Literature cited by the submitters: PubMed 17576681 (cited by Labcorp Genetics (formerly Invitae), Labcorp); PubMed 9536098 (cited by Labcorp Genetics (formerly Invitae), Labcorp); PubMed 16885549 (cited by Clinical Genomics, Uppaluri K&H Personalized Medicine Clinic); PubMed 21989597 (cited by Clinical Genomics, Uppaluri K&H Personalized Medicine Clinic); PubMed 27538677 (cited by Clinical Genomics, Uppaluri K&H Personalized Medicine Clinic); PubMed 18981553 (cited by Clinical Genomics, Uppaluri K&H Personalized Medicine Clinic); PubMed 32027066 (cited by Clinical Genomics, Uppaluri K&H Personalized Medicine Clinic); PubMed 16613899 (cited by Clinical Genomics, Uppaluri K&H Personalized Medicine Clinic); PubMed 18025408 (cited by Clinical Genomics, Uppaluri K&H Personalized Medicine Clinic); PubMed 32792356 (cited by Clinical Genomics, Uppaluri K&H Personalized Medicine Clinic).